The following is an entry in ClinVar:

ClinVar aggregate classification (germline): Uncertain significance (1 of 4 stars; one submission).

Allele frequency attached by ClinVar (database versions not stated): ExAC 0.00001; gnomAD 0.00003.

Submission:

CeGaT Center for Human Genetics Tuebingen
Classification: Uncertain significance. Last evaluated: 2023-07-01. Review status: criteria provided, single submitter. Criteria: CeGaT Center For Human Genetics Tuebingen Variant Classification Criteria Version 2. Collection method: clinical testing. Allele origin: germline. Affected: yes. Observed: 1 variant allele.
Comment: MIP: PM2

NM_012064.4(MIP):c.750G>T (p.Glu250Asp)

Gene: MIP (major intrinsic protein of lens fiber; minus strand). Cytogenetic location: 12q13.3.
Variant type: single nucleotide variant.
Coding change: c.750G>T on transcript NM_012064.4 (MANE Select); coding-DNA position 750, G replaced by T.
Protein change: p.Glu250Asp; replaces glutamic acid 250 with aspartic acid.
Molecular consequence: missense variant.
Genome position (GRCh38, 1-based): chr12:56,451,322, C>A on the plus strand (G>T on the coding strand, the complement: MIP is on the minus strand). VCF-style: chr12-56451322-C-A. GRCh37 (hg19) VCF-style: chr12-56845106-C-A.
Other names: short protein forms E250D.
Identifiers: ClinVar variation 2578684 (VCV002578684.25), dbSNP rs750645433, ClinGen allele CA6632502.